The following is an entry in ClinVar:

ClinVar aggregate classification (germline): Uncertain significance (1 of 4 stars; one submission).

Submission:

Labcorp Genetics (formerly Invitae), Labcorp
Classification: Uncertain significance. Last evaluated: 2021-07-12. Review status: criteria provided, single submitter. Criteria: Invitae Variant Classification Sherloc (09022015). Collection method: clinical testing. Allele origin: germline.
Comment: This variant is not present in population databases (ExAC no frequency). In summary, the available evidence is currently insufficient to determine the role of this variant in disease. Therefore, it has been classified as a Variant of Uncertain Significance. Algorithms developed to predict the effect of missense changes on protein structure and function are either unavailable or do not agree on the potential impact of this missense change (SIFT: "Not Available"; PolyPhen-2: "Benign"; Align-GVGD: "Not Available"). This variant has not been reported in the literature in individuals affected with HGF-related conditions. This sequence change replaces proline with alanine at codon 251 of the HGF protein (p.Pro251Ala). The proline residue is moderately conserved and there is a small physicochemical difference between proline and alanine.

NM_000601.6(HGF):c.751C>G (p.Pro251Ala)

Gene: HGF (hepatocyte growth factor; minus strand). Cytogenetic location: 7q21.11.
Variant type: single nucleotide variant.
Coding change: c.751C>G on transcript NM_000601.6 (MANE Select); coding-DNA position 751, C replaced by G.
Protein change: p.Pro251Ala; replaces proline 251 with alanine.
Molecular consequence: missense variant.
Genome position (GRCh38, 1-based): chr7:81,743,467, G>C on the plus strand (C>G on the coding strand, the complement: HGF is on the minus strand). VCF-style: chr7-81743467-G-C. GRCh37 (hg19) VCF-style: chr7-81372783-G-C.
Other names: c.751C>G, p.Pro251Ala (NM_001010931.3); c.736C>G, p.Pro246Ala (NM_001010932.3, NM_001010933.3); short protein forms P246A, P251A.
Identifiers: ClinVar variation 1504602 (VCV001504602.8), dbSNP rs865828369, ClinGen allele CA367874078.
Genomic context (GRCh38, chr7:81,743,467, plus strand): 5'-ACCATGGCCTCGGCTGGCCATCGGGATTGCGGCAATAATTATCATCAAAGCCCTTGTCGG[G>C]ATATCTGCAAACCACACCAAGAAAAGTGTCACGTAAATCTGCCTGGAAACACCACCCACC-3'
Protein context (NP_000592.3, residues 241-261): HRHKFLPERY[Pro251Ala]DKGFDDNYCR